The following is an entry in ClinVar:

NM_001127222.2(CACNA1A):c.6451_6452insGT (p.His2151fs)

Gene: CACNA1A (calcium voltage-gated channel subunit alpha1 A; minus strand). Cytogenetic location: 19p13.13.
Variant type: Insertion.
Coding change: c.6451_6452insGT on transcript NM_001127222.2 (MANE Select); coding-DNA positions 6451 to 6452, GT inserted.
Protein change: p.His2151fs; shifts the reading frame from histidine 2151.
Molecular consequence: frameshift variant.
Genome position: GRCh38 VCF-style: chr19-13209386-T-TAC. GRCh37 (hg19) VCF-style: chr19-13320200-T-TAC.
Other names: c.6469_6470insGT, p.His2157fs (NM_000068.4, NM_023035.3); c.6454_6455insGT, p.His2152fs (NM_001127221.2); c.6460_6461insGT, p.His2154fs (NM_001174080.2); short protein forms H2151fs, H2152fs, H2154fs, H2157fs.
Identifiers: ClinVar variation 4850766 (VCV004850766.1).

ClinVar aggregate classification (germline): Pathogenic (1 of 4 stars; one submission).

Conditions:
Developmental and epileptic encephalopathy, 42 (DEE42A). Also called: Epileptic encephalopathy, early infantile, 42; DEVELOPMENTAL AND EPILEPTIC ENCEPHALOPATHY 42A; EPILEPTIC ENCEPHALOPATHY, EARLY INFANTILE, 42A. Identifiers: MedGen C4310716, MONDO:0014917, OMIM 617106.

Submission:

Variantyx, Inc.
Classification: Pathogenic for Developmental and epileptic encephalopathy, 42. Last evaluated: 2025-06-13. Review status: criteria provided, single submitter. Criteria: Variantyx Assertion Criteria 2022. Collection method: clinical testing. Allele origin: de novo. Inheritance: Autosomal dominant inheritance. Affected: yes.
Comment: This is a frameshift variant in the CACNA1A gene (OMIM: 601011). Pathogenic variants in this gene have been associated with autosomal dominant developmental and epileptic encephalopathy 42. The alteration introduces a premature termination codon in exon 45 out of 47 and is expected to result in loss of function, which is a known disease mechanism for CACNA1A in this disorder (PMID:35600082) (PVS1). This variant is absent from control populations (PM2). Based on the current evidence, this variant is classified as pathogenic for autosomal dominant developmental and epileptic encephalopathy 42.

Literature cited by the submitters: PubMed 35600082.